The following is an entry in ClinVar:

NM_001690.4(ATP6V1A):c.1475T>C (p.Ile492Thr)

Gene: ATP6V1A (ATPase H+ transporting V1 subunit A; plus strand). Cytogenetic location: 3q13.31.
Variant type: single nucleotide variant.
Coding change: c.1475T>C on transcript NM_001690.4 (MANE Select); coding-DNA position 1475, T replaced by C.
Protein change: p.Ile492Thr; replaces isoleucine 492 with threonine.
Molecular consequence: missense variant.
Genome position (GRCh38, 1-based): chr3:113,798,427, T>C. VCF-style: chr3-113798427-T-C. GRCh37 (hg19) VCF-style: chr3-113517274-T-C.
Other names: short protein forms I492T.
Identifiers: ClinVar variation 3393869 (VCV003393869.1).

ClinVar aggregate classification (germline): Uncertain significance (1 of 4 stars; one submission).

Submission:

GeneDx
Classification: Uncertain significance. Last evaluated: 2024-07-03. Review status: criteria provided, single submitter. Criteria: GeneDx Variant Classification Process June 2021. Collection method: clinical testing. Allele origin: germline. Affected: yes.
Comment: Not observed at significant frequency in large population cohorts (gnomAD); In silico analysis supports that this missense variant has a deleterious effect on protein structure/function; Has not been previously published as pathogenic or benign to our knowledge